The following is an entry in ClinVar:

ClinVar aggregate classification (germline): Likely pathogenic. Review status: criteria provided, multiple submitters, no conflicts (2 of 4 stars). 2 submissions from 2 submitters: Likely pathogenic (2). Last evaluated 2023-08-08.

Conditions:
Hereditary pheochromocytoma and paraganglioma. Also called: Hereditary Paraganglioma-Pheochromocytoma Syndromes; Hereditary pheochromocytoma-paraganglioma; Hereditary paragangliomas and pheochromocytomas. Identifiers: Orphanet 29072, MedGen C4274332, MONDO:0017366.

gnomAD v4.1: 1 of 1,613,186 alleles (0.000062%); highest among the groups gnomAD compares: Non-Finnish European, 0.000085%; no homozygotes.

Submissions (2):

All of Us Research Program, National Institutes of Health
Classification: Likely pathogenic for Hereditary pheochromocytoma and paraganglioma. Last evaluated: 2023-08-08. Review status: criteria provided, single submitter. Criteria: ACMG Guidelines, 2015. Collection method: clinical testing. Allele origin: germline. Inheritance: Autosomal dominant inheritance. Observed: 1 variant allele, 1 heterozygote.
Comment: This variant causes an A to C nucleotide substitution at the -2 position of intron 1 of the SDHB gene. Splice site prediction tools predict that this variant may have a significant impact on RNA splicing. Although this prediction has not been confirmed in published RNA studies, this variant is expected to result in an absent or disrupted protein product. This variant has not been reported in individuals affected with hereditary cancer in the literature. This variant has not been identified in the general population by the Genome Aggregation Database (gnomAD). A different variant affecting the same splice acceptor site, c.73-2A>T, is described to be disease-causing (ClinVar variation ID: 1508537). Loss of SDHB function is a known mechanism of disease. Based on the available evidence, this variant is classified as Likely Pathogenic.

This study involves interpretation of variants in research participants for the purpose of population health screening. Participant phenotype was not available at the time of variant classification. Additional details can be found in publication PMID: 35346344, PMCID: PMC8962531

Color Diagnostics, LLC DBA Color Health
Classification: Likely pathogenic for Hereditary pheochromocytoma and paraganglioma. Last evaluated: 2023-04-27. Review status: criteria provided, single submitter. Criteria: ACMG Guidelines, 2015. Collection method: clinical testing. Allele origin: germline.
Comment: This variant causes an A to C nucleotide substitution at the -2 position of intron 1 of the SDHB gene. Splice site prediction tools predict that this variant may have a significant impact on RNA splicing. Although this prediction has not been confirmed in published RNA studies, this variant is expected to result in an absent or disrupted protein product. This variant has not been reported in individuals affected with hereditary cancer in the literature. This variant has not been identified in the general population by the Genome Aggregation Database (gnomAD). A different variant affecting the same splice acceptor site, c.73-2A>T, is described to be disease-causing (ClinVar variation ID: 1508537). Loss of SDHB function is a known mechanism of disease. Based on the available evidence, this variant is classified as Likely Pathogenic.

NM_003000.3(SDHB):c.73-2A>C

Gene: SDHB (succinate dehydrogenase complex iron sulfur subunit B; minus strand). Cytogenetic location: 1p36.13.
Variant type: single nucleotide variant.
Coding change: c.73-2A>C on transcript NM_003000.3 (MANE Select); the canonical splice acceptor site of the intron before coding-DNA position 73, A replaced by C.
Molecular consequence: splice acceptor variant.
Genome position (GRCh38, 1-based): chr1:17,044,890, T>G on the plus strand (A>C on the coding strand, the complement: SDHB is on the minus strand). VCF-style: chr1-17044890-T-G. GRCh37 (hg19) VCF-style: chr1-17371385-T-G.
Other names: c.73-2A>C (NM_001407361.1).
Identifiers: ClinVar variation 2774507 (VCV002774507.3), dbSNP rs1474282888, ClinGen allele CA338228463.